The following is an entry in ClinVar:

NM_001376.5(DYNC1H1):c.10150C>A (p.Arg3384=)

Gene: DYNC1H1 (dynein cytoplasmic 1 heavy chain 1; plus strand). Cytogenetic location: 14q32.31.
Variant type: single nucleotide variant.
Coding change: c.10150C>A on transcript NM_001376.5 (MANE Select); coding-DNA position 10150, C replaced by A.
Protein change: p.Arg3384=; no amino-acid change (arginine 3384 retained).
Molecular consequence: synonymous variant.
Genome position (GRCh38, 1-based): chr14:102,033,135, C>A. VCF-style: chr14-102033135-C-A. GRCh37 (hg19) VCF-style: chr14-102499472-C-A.
Identifiers: ClinVar variation 2093544 (VCV002093544.4), dbSNP rs2503822964, ClinGen allele CA488185556.

ClinVar aggregate classification (germline): Uncertain significance (1 of 4 stars; one submission).

Conditions:
Charcot-Marie-Tooth disease axonal type 2O. Also called: CHARCOT-MARIE-TOOTH NEUROPATHY, AXONAL, TYPE 2O; CHARCOT-MARIE-TOOTH DISEASE, AXONAL, AUTOSOMAL DOMINANT, TYPE 2O; Charcot-Marie-Tooth disease, axonal, type 20; Charcot-Marie-Tooth Neuropathy Type 2O. Identifiers: Orphanet 284232, MedGen C3280220, MONDO:0013644, OMIM 614228.

Submission:

Labcorp Genetics (formerly Invitae), Labcorp
Classification: Uncertain significance for Charcot-Marie-Tooth disease axonal type 2O. Last evaluated: 2022-08-30. Review status: criteria provided, single submitter. Criteria: Invitae Variant Classification Sherloc (09022015). Collection method: clinical testing. Allele origin: germline.
Comment: In summary, the available evidence is currently insufficient to determine the role of this variant in disease. Therefore, it has been classified as a Variant of Uncertain Significance. Algorithms developed to predict the effect of sequence changes on RNA splicing suggest that this variant may disrupt the consensus splice site. This variant has not been reported in the literature in individuals affected with DYNC1H1-related conditions. This variant is not present in population databases (gnomAD no frequency). This sequence change affects codon 3384 of the DYNC1H1 mRNA. It is a 'silent' change, meaning that it does not change the encoded amino acid sequence of the DYNC1H1 protein.